The following is an entry in ClinVar:

ClinVar aggregate classification (germline): Uncertain significance (1 of 4 stars; one submission).

Conditions:
Facioscapulohumeral muscular dystrophy 2 (FSHD2). Also called: MUSCULAR DYSTROPHY, FACIOSCAPULOHUMERAL, TYPE 1B; FACIOSCAPULOHUMERAL MUSCULAR DYSTROPHY 2, DIGENIC; FSHD2, DIGENIC. Identifiers: Orphanet 269, MedGen C1834671, MONDO:0008031, OMIM 158901.

gnomAD v4.1: 4 of 1,566,108 alleles (0.00026%); highest among the groups gnomAD compares: Non-Finnish European, 0.00035%; no homozygotes.

Submission:

Labcorp Genetics (formerly Invitae), Labcorp
Classification: Uncertain significance for Facioscapulohumeral muscular dystrophy 2. Last evaluated: 2025-04-17. Review status: criteria provided, single submitter. Criteria: Invitae Variant Classification Sherloc (09022015). Collection method: clinical testing. Allele origin: germline.
Comment: This sequence change replaces asparagine, which is neutral and polar, with histidine, which is basic and polar, at codon 1455 of the SMCHD1 protein (p.Asn1455His). This variant is present in population databases (rs768823496, gnomAD 0.003%). This variant has not been reported in the literature in individuals affected with SMCHD1-related conditions. Invitae Evidence Modeling of protein sequence and biophysical properties (such as structural, functional, and spatial information, amino acid conservation, physicochemical variation, residue mobility, and thermodynamic stability) indicates that this missense variant is not expected to disrupt SMCHD1 protein function with a negative predictive value of 80%. In summary, the available evidence is currently insufficient to determine the role of this variant in disease. Therefore, it has been classified as a Variant of Uncertain Significance.

NM_015295.3(SMCHD1):c.4363A>C (p.Asn1455His)

Gene: SMCHD1 (structural maintenance of chromosomes flexible hinge domain containing 1; plus strand). Cytogenetic location: 18p11.32.
Variant type: single nucleotide variant.
Coding change: c.4363A>C on transcript NM_015295.3 (MANE Select); coding-DNA position 4363, A replaced by C.
Protein change: p.Asn1455His; replaces asparagine 1455 with histidine.
Molecular consequence: missense variant.
Genome position (GRCh38, 1-based): chr18:2,760,668, A>C. VCF-style: chr18-2760668-A-C. GRCh37 (hg19) VCF-style: chr18-2760666-A-C.
Other names: short protein forms N1455H.
Identifiers: ClinVar variation 4774892 (VCV004774892.1).